The following is an entry in ClinVar:

ClinVar aggregate classification (germline): Uncertain significance. Review status: criteria provided, multiple submitters, no conflicts (2 of 4 stars). 2 submissions from 2 submitters: Uncertain significance (2). Last evaluated 2024-12-04.

Conditions:
Inborn genetic diseases. Identifiers: MedGen C0950123, MeSH D030342.

Allele frequency attached by ClinVar (database versions not stated): gnomAD 0.00001; TOPMed 0.00002.
gnomAD v4.1: 1 of 1,614,042 alleles (0.000062%); highest among the groups gnomAD compares: Admixed American, 0.0017%; no homozygotes.

Submissions (2):

Ambry Genetics
Classification: Uncertain significance for Inborn genetic diseases. Last evaluated: 2024-12-04. Review status: criteria provided, single submitter. Criteria: Ambry Variant Classification Scheme 2023. Collection method: clinical testing. Allele origin: germline.

GeneDx
Classification: Uncertain significance. Last evaluated: 2023-01-13. Review status: criteria provided, single submitter. Criteria: GeneDx Variant Classification Process June 2021. Collection method: clinical testing. Allele origin: germline. Affected: yes.
Comment: Not observed at significant frequency in large population cohorts (gnomAD); In silico analysis supports that this missense variant does not alter protein structure/function; Has not been previously published as pathogenic or benign to our knowledge

NM_177559.3(CSNK2A1):c.52C>T (p.His18Tyr)

Gene: CSNK2A1 (casein kinase 2 alpha 1; minus strand). Cytogenetic location: 20p13.
Variant type: single nucleotide variant.
Coding change: c.52C>T on transcript NM_177559.3 (MANE Select); coding-DNA position 52, C replaced by T.
Protein change: p.His18Tyr; replaces histidine 18 with tyrosine.
Molecular consequence: missense variant. On other transcripts: intron variant (1).
Genome position (GRCh38, 1-based): chr20:508,500, G>A on the plus strand (C>T on the coding strand, the complement: CSNK2A1 is on the minus strand). VCF-style: chr20-508500-G-A. GRCh37 (hg19) VCF-style: chr20-489144-G-A.
Other names: c.52C>T, p.His18Tyr (NM_001362770.2, NM_001362771.2, NM_001895.4); c.-307-3271C>T (NM_177560.3); c.52C>T (NM_177559.2); short protein forms H18Y.
Identifiers: ClinVar variation 2572873 (VCV002572873.2), dbSNP rs1167115887, ClinGen allele CA407941826.
Genomic context (GRCh38, chr20:508,500, plus strand): 5'-AAAACAATTACCCCCATTCCACCACATGTGACTCGTAATCCCAGTATTCTCGAGGTCTGT[G>A]TGTATTAACATCTGTGTAAACTCTGGCCCTGCTTGGCACGGGTCCCGACATGTCAGACAG-3'
Protein context (NP_808227.1, residues 8-28): RARVYTDVNT[His18Tyr]RPREYWDYES